The following is an entry in ClinVar:

NM_000038.6(APC):c.2825del (p.Asn942fs)

Gene: APC (APC regulator of Wnt signaling pathway; plus strand). Cytogenetic location: 5q22.2.
Variant type: Deletion.
Coding change: c.2825del on transcript NM_000038.6 (MANE Select); coding-DNA position 2825, one base deleted (A; older notation c.2825delA).
Protein change: p.Asn942fs; shifts the reading frame from asparagine 942.
Molecular consequence: frameshift variant.
Genome position (GRCh38, 1-based): chr5:112,838,419, A deleted; the last of 4 consecutive A bases (chr5:112,838,416-112,838,419); deleting any one gives the same sequence. VCF-style (leftmost placement, unchanged base first): chr5-112838415-GA-G. GRCh37 (hg19) VCF-style: chr5-112174112-GA-G.
Other names: c.2825del, p.Asn942fs (NM_001127510.3, NM_001354895.2); c.2771del, p.Asn924fs (NM_001127511.3); c.2879del, p.Asn960fs (NM_001354896.2); c.2855del, p.Asn952fs (NM_001354897.2); c.2750del, p.Asn917fs (NM_001354898.2); c.2741del, p.Asn914fs (NM_001354899.2); c.2702del, p.Asn901fs (NM_001354900.2); c.2648del, p.Asn883fs (NM_001354901.2); and 5 more; short protein forms N782fs, N851fs, N914fs, N917fs, N960fs, N816fs, N841fs, N883fs.
Identifiers: ClinVar variation 492659 (VCV000492659.16), dbSNP rs1554084511, ClinGen allele CA658683399.

ClinVar aggregate classification (germline): Pathogenic. Review status: criteria provided, single submitter (1 of 4 stars). 2 submissions from 2 submitters: Pathogenic (1). 1 of the submissions does not count toward it. Last evaluated 2019-11-19.

Conditions:
Familial adenomatous polyposis 1 (FAP1). Also called: FAMILIAL ADENOMATOUS POLYPOSIS 1, ATTENUATED; POLYPOSIS, ADENOMATOUS INTESTINAL. Identifiers: MedGen C2713442, MONDO:0021056, OMIM 175100. Disease mechanism: loss of function.

Submissions (2):

Labcorp Genetics (formerly Invitae), Labcorp
Classification: Pathogenic for Familial adenomatous polyposis 1. Last evaluated: 2019-11-19. Review status: criteria provided, single submitter. Criteria: Invitae Variant Classification Sherloc (09022015). Collection method: clinical testing. Allele origin: germline.
Comment: For these reasons, this variant has been classified as Pathogenic. This variant disrupts the C-terminus of the APC protein. Another variant that disrupts this region (p.Tyr2645Lysfs*14) has been determined to be pathogenic (PMID: PMID: 9824584, 1316610, 27081525, 8381579, 22135120, 15311282, 17293347, Invitae). This suggests that variants that disrupt this region of the protein are likely to be causative of disease. This sequence change results in a premature translational stop signal in the APC gene (p.Asn942Ilefs*13). While this is not anticipated to result in nonsense mediated decay, it is expected to disrupt the last 1,902 amino acids of the APC protein. This variant is not present in population databases (ExAC no frequency). This variant has not been reported in the literature in individuals with APC-related conditions. ClinVar contains an entry for this variant (Variation ID: 492659).

Mayo Clinic Laboratories, Mayo Clinic
Classification: Likely pathogenic. Review status: no assertion criteria provided. Collection method: clinical testing. Allele origin: unknown. Not counted in ClinVar's aggregate classification.

Literature cited by the submitters: PubMed 9824584 (cited by Labcorp Genetics (formerly Invitae), Labcorp); PubMed 1316610 (cited by Labcorp Genetics (formerly Invitae), Labcorp); PubMed 27081525 (cited by Labcorp Genetics (formerly Invitae), Labcorp); PubMed 8381579 (cited by Labcorp Genetics (formerly Invitae), Labcorp); PubMed 22135120 (cited by Labcorp Genetics (formerly Invitae), Labcorp); PubMed 15311282 (cited by Labcorp Genetics (formerly Invitae), Labcorp); PubMed 17293347 (cited by Labcorp Genetics (formerly Invitae), Labcorp).